The following is an entry in ClinVar:

ClinVar aggregate classification (germline): Uncertain significance. Review status: criteria provided, multiple submitters, no conflicts (2 of 4 stars). 4 submissions from 4 submitters: Uncertain significance (4). Last evaluated 2025-10-29.

Conditions:
Dilated cardiomyopathy 1JJ (CMD1JJ). Identifiers: Orphanet 154, MedGen C3808935, MONDO:0014095, OMIM 615235.
Cardiovascular phenotype. Identifiers: MedGen CN230736.

Allele frequency attached by ClinVar (database versions not stated): gnomAD exomes 0.00001 and 0.00002; ExAC 0.00002; gnomAD 0.00007 and 0.00008; TOPMed 0.00011.

Submissions (4):

Labcorp Genetics (formerly Invitae), Labcorp
Classification: Uncertain significance for Dilated cardiomyopathy 1JJ. Last evaluated: 2025-10-29. Review status: criteria provided, single submitter. Criteria: Invitae Variant Classification Sherloc (09022015). Collection method: clinical testing. Allele origin: germline.
Comment: This sequence change replaces threonine, which is neutral and polar, with asparagine, which is neutral and polar, at codon 74 of the LAMA4 protein (p.Thr74Asn). This variant is present in population databases (rs782226255, gnomAD 0.03%). This variant has not been reported in the literature in individuals affected with LAMA4-related conditions. ClinVar contains an entry for this variant (Variation ID: 951940). An algorithm developed to predict the effect of missense changes on protein structure and function (PolyPhen-2) suggests that this variant is likely to be tolerated. In summary, the available evidence is currently insufficient to determine the role of this variant in disease. Therefore, it has been classified as a Variant of Uncertain Significance.

Ambry Genetics
Classification: Uncertain significance for Cardiovascular phenotype. Last evaluated: 2025-02-01. Review status: criteria provided, single submitter. Criteria: Ambry Variant Classification Scheme 2023. Collection method: clinical testing. Allele origin: germline.
Comment: The p.T74N variant (also known as c.221C>A), located in coding exon 2 of the LAMA4 gene, results from a C to A substitution at nucleotide position 221. The threonine at codon 74 is replaced by asparagine, an amino acid with similar properties. This amino acid position is poorly conserved in available vertebrate species. In addition, the in silico prediction for this alteration is inconclusive. Since supporting evidence is limited at this time, the clinical significance of this alteration remains unclear.

GeneDx
Classification: Uncertain significance. Last evaluated: 2024-09-24. Review status: criteria provided, single submitter. Criteria: GeneDx Variant Classification Process June 2021. Collection method: clinical testing. Allele origin: germline. Affected: yes.
Comment: In silico analysis indicates that this missense variant does not alter protein structure/function; Has not been previously published as pathogenic or benign to our knowledge

Fulgent Genetics
Classification: Uncertain significance for Dilated cardiomyopathy 1JJ. Last evaluated: 2021-07-01. Review status: criteria provided, single submitter. Criteria: ACMG Guidelines, 2015. Collection method: clinical testing. Allele origin: unknown.

NM_001105206.3(LAMA4):c.221C>A (p.Thr74Asn)

Gene: LAMA4 (laminin subunit alpha 4; minus strand). Cytogenetic location: 6q21.
Variant type: single nucleotide variant.
Coding change: c.221C>A on transcript NM_001105206.3 (MANE Select); coding-DNA position 221, C replaced by A.
Protein change: p.Thr74Asn; replaces threonine 74 with asparagine.
Molecular consequence: missense variant.
Genome position (GRCh38, 1-based): chr6:112,216,444, G>T on the plus strand (C>A on the coding strand, the complement: LAMA4 is on the minus strand). VCF-style: chr6-112216444-G-T. GRCh37 (hg19) VCF-style: chr6-112537645-G-T.
Other names: c.221C>A, p.Thr74Asn (NM_001105207.3, NM_002290.5); short protein forms T74N.
Identifiers: ClinVar variation 951940 (VCV000951940.14), dbSNP rs782226255, ClinGen allele CA3966268.